The following is an entry in ClinVar:

NM_017763.6(RNF43):c.2308+1G>T

Gene: RNF43 (ring finger protein 43; minus strand). Cytogenetic location: 17q22.
Variant type: single nucleotide variant.
Coding change: c.2308+1G>T on transcript NM_017763.6 (MANE Select); the canonical splice donor site of the intron after coding-DNA position 2308, G replaced by T.
Molecular consequence: splice donor variant. On other transcripts: missense variant (3).
Genome position (GRCh38, 1-based): chr17:58,357,467, C>A on the plus strand (G>T on the coding strand, the complement: RNF43 is on the minus strand). VCF-style: chr17-58357467-C-A. GRCh37 (hg19) VCF-style: chr17-56434828-C-A.
Other names: c.1928G>T, p.Gly643Val (NM_001437987.1); c.2309G>T, p.Gly770Val (NM_001438820.1, NM_001438821.1); c.2308+1G>T (NM_001438822.1, NM_001305544.3); c.1927+1G>T (NM_001305545.2); short protein forms G643V, G770V.
Identifiers: ClinVar variation 1801831 (VCV001801831.2), dbSNP rs2143383024, ClinGen allele CA400385365.

ClinVar aggregate classification (germline): Likely pathogenic (0 of 4 stars; one submission).

Conditions:
Sessile serrated polyposis cancer syndrome (SSPCS). Identifiers: Orphanet 157798, MedGen C4310714, MONDO:0014919, OMIM 617108.

Submission:

Institute of Human Genetics, University of Goettingen
Classification: Likely pathogenic for Sessile serrated polyposis cancer syndrome. Last evaluated: 2022-12-05. Review status: no assertion criteria provided. Collection method: clinical testing. Allele origin: unknown. Inheritance: Autosomal dominant inheritance. Affected: yes. Observed: 1 heterozygote.
Comment: The variant leads to a splicing defect: exon skipping or use of a cryptic splice site disrupts reading frame and is predicted to undergo NMD. The variant is absent from gnomAD.